The following is an entry in ClinVar:

NM_007294.4(BRCA1):c.5345G>T (p.Trp1782Leu)

Gene: BRCA1 (BRCA1 DNA repair associated; minus strand). Cytogenetic location: 17q21.31.
Variant type: single nucleotide variant.
Coding change: c.5345G>T on transcript NM_007294.4 (MANE Select); coding-DNA position 5345, G replaced by T.
Protein change: p.Trp1782Leu; replaces tryptophan 1782 with leucine.
Molecular consequence: missense variant. On other transcripts: non-coding transcript variant (1), intron variant (1).
Genome position (GRCh38, 1-based): chr17:43,049,182, C>A on the plus strand (G>T on the coding strand, the complement: BRCA1 is on the minus strand). VCF-style: chr17-43049182-C-A. GRCh37 (hg19) VCF-style: chr17-41201199-C-A.
Other names: c.5132G>T, p.Trp1711Leu (NM_001407571.1, NM_001407907.1, NM_001407908.1 and 12 more transcripts); c.5411G>T, p.Trp1804Leu (NM_001407581.1, NM_001407582.1); c.5408G>T, p.Trp1803Leu (NM_001407583.1, NM_001407585.1, NM_001407587.1 and 1 more transcripts); c.5405G>T, p.Trp1802Leu (NM_001407590.1, NM_001407591.1); c.5345G>T, p.Trp1782Leu (NM_001407593.1, NM_001407594.1, NM_001407596.1 and 5 more transcripts); c.5342G>T, p.Trp1781Leu (NM_001407610.1, NM_001407611.1, NM_001407612.1 and 14 more transcripts); c.5339G>T, p.Trp1780Leu (NM_001407627.1, NM_001407628.1, NM_001407629.1 and 13 more transcripts); c.5330G>T, p.Trp1777Leu (NM_001407647.1); and 73 more; short protein forms W1735L, W1803L, W678L, W1782L, W1485L, W1613L, W1669L, W1670L.
Identifiers: ClinVar variation 865367 (VCV000865367.3), dbSNP rs80357219, ClinGen allele CA10590772.

Conditions:
Breast-ovarian cancer, familial, susceptibility to, 1 (BROVCA1). Also called: BRCA1 Hereditary Breast and Ovarian Cancer; OVARIAN CANCER, SUSCEPTIBILITY TO. Identifiers: Orphanet 145, MedGen C2676676, MONDO:0011450, OMIM 604370. Disease mechanism: loss of function.

Submission:

Brotman Baty Institute, University of Washington
No classification provided (evidence only). Condition: Breast-ovarian cancer, familial 1. Review status: no classification provided. Collection method: in vitro. Allele origin: not applicable. Functional consequence: functionally_normal.
ClinVar note: "not provided" was previously submitted as the classification for the variant. However, the classification appeared to be based only on an observation of functional data so it was converted to no classification on 2025-07-30.